The following is an entry in ClinVar:

ClinVar aggregate classification (germline): Pathogenic/Likely pathogenic. Review status: criteria provided, multiple submitters, no conflicts (2 of 4 stars). 8 submissions from 8 submitters: Pathogenic (1); Likely pathogenic (6). 1 of the submissions does not count toward it. Last evaluated 2025-07-28.

Conditions:
Usher syndrome. Also called: Usher Syndromes; Usher's syndrome. Identifiers: Orphanet 886, MedGen CN469326, MeSH D052245, MONDO:0019501. Disease mechanism: loss of function.
Retinitis pigmentosa 39 (RP39). Identifiers: Orphanet 791, MedGen C3151138, MONDO:0013436, OMIM 613809.
USH2A-related disorder. Also called: USH2A-related disorders; USH2A-related condition. Identifiers: MedGen CN239332.
Usher syndrome type 2A. Also called: RETINAL DISEASE IN USHER SYNDROME TYPE IIA, MODIFIER OF; USHER SYNDROME, TYPE IIA. Identifiers: Orphanet 231178, Orphanet 886, MedGen C1848634, MONDO:0010169, OMIM 276901.

Allele frequency attached by ClinVar (database versions not stated): gnomAD exomes below 0.00001; gnomAD 0.00001; ExAC 0.00002; TOPMed 0.00003.
gnomAD v4.1: 17 of 1,613,264 alleles (0.0011%); highest among the groups gnomAD compares: Admixed American, 0.0017%; no homozygotes.

Submissions (8):

Natera, Inc.
Classification: Likely pathogenic for Usher syndrome type 2A. Last evaluated: 2025-07-28. Review status: criteria provided, single submitter. Criteria: Natera Variant Classification Schema (03/2026). Collection method: clinical testing. Allele origin: germline.
Comment: The c.4124C>T variant in USH2A is a missense variant predicted to cause substitution of serine to leucine at amino acid 1375. This variant is rare in the general population with a frequency below the threshold expected for the associated phenotype(s). This variant has been observed in one or more individuals affected with the associated recessive disease, as either homozygous or compound heterozygous with a second variant (PMID: 34781295). Additionally, this variant has been observed to segregate in affected family members (PMID: 34781295). This variant has been identified in one or more affected individuals with a phenotype highly consistent with the associated gene (PMID: 34781295). Computational prediction algorithms indicate this variant is likely to affect gene or protein function. Given the available evidence, this variant is classified as Likely Pathogenic.

Labcorp Genetics (formerly Invitae), Labcorp
Classification: Pathogenic. Last evaluated: 2025-06-03. Review status: criteria provided, single submitter. Criteria: Invitae Variant Classification Sherloc (09022015). Collection method: clinical testing. Allele origin: germline.
Comment: This sequence change replaces serine, which is neutral and polar, with leucine, which is neutral and non-polar, at codon 1375 of the USH2A protein (p.Ser1375Leu). This variant is present in population databases (rs751479180, gnomAD 0.0009%). This missense change has been observed in individual(s) with retinitis pigmentosa (PMID: 25425308, 32188678, 34781295; internal data). In at least one individual the data is consistent with being in trans (on the opposite chromosome) from a pathogenic variant. ClinVar contains an entry for this variant (Variation ID: 1056888). Invitae Evidence Modeling of protein sequence and biophysical properties (such as structural, functional, and spatial information, amino acid conservation, physicochemical variation, residue mobility, and thermodynamic stability) indicates that this missense variant is not expected to disrupt USH2A protein function with a negative predictive value of 95%. For these reasons, this variant has been classified as Pathogenic.

Blueprint Genetics
Classification: Likely pathogenic for USH2A-related disorders. Last evaluated: 2024-11-20. Review status: criteria provided, single submitter. Criteria: ACMG Guidelines, 2015. Collection method: clinical testing. Allele origin: germline. Affected: yes. Observed: 5 variant alleles.

Fulgent Genetics
Classification: Likely pathogenic for Usher syndrome type 2A; Retinitis pigmentosa 39. Last evaluated: 2024-06-22. Review status: criteria provided, single submitter. Criteria: ACMG Guidelines, 2015. Collection method: clinical testing. Allele origin: germline.

Baylor Genetics
Classification: Likely pathogenic for Retinitis pigmentosa 39. Last evaluated: 2024-02-25. Review status: criteria provided, single submitter. Criteria: ACMG Guidelines, 2015. Collection method: clinical testing. Allele origin: unknown.

GeneDx
Classification: Likely pathogenic. Last evaluated: 2023-03-13. Review status: criteria provided, single submitter. Criteria: GeneDx Variant Classification Process June 2021. Collection method: clinical testing. Allele origin: germline. Affected: yes.
Comment: Observed with a second variant (phase unknown) in unrelated patients with retinitis pigmentosa in the published literature (Colombo et al., 2018; Gao et al., 2020); Not observed at a significant frequency in large population cohorts (gnomAD); In silico analysis, which includes protein predictors and evolutionary conservation, supports a deleterious effect; This variant is associated with the following publications: (PMID: 25425308, 29940899, 31054281, 34781295, 32188678)

Women's Health and Genetics/Laboratory Corporation of America, LabCorp
Classification: Likely pathogenic for Usher syndrome. Last evaluated: 2023-02-17. Review status: criteria provided, single submitter. Criteria: LabCorp Variant Classification Summary - May 2015. Collection method: clinical testing. Allele origin: germline.
Comment: Variant summary: USH2A c.4124C>T (p.Ser1375Leu) results in a non-conservative amino acid change located in the fibronectin type III domain (IPR003961) of the encoded protein sequence. Three of five in-silico tools predict a benign effect of the variant on protein function. The variant allele was found at a frequency of 4e-06 in 250610 control chromosomes (gnomAD). c.4124C>T has been reported in the literature in the heterozygous state in an individual affected with Usher Syndrome and in the compound heterozygous state in at least three individuals affected with retinitis pigmentosa, including two siblings where the variant was confirmed to be in trans with a pathogenic variant (e.g. Zein_2015, Colombo_2018, Gao_2019, Gao_2021, Colombo_2022). These data indicate that the variant is likely associated with disease. To our knowledge, no experimental evidence demonstrating an impact on protein function has been reported. Three submitters have provided clinical-significance assessments for this variant to ClinVar after 2014 and classified the variant as either likely pathogenic (n=2) or VUS (n=1). Based on the evidence outlined above, the variant was classified as likely pathogenic.

Ocular Genomics Institute, Massachusetts Eye and Ear
Classification: Uncertain significance for Retinitis pigmentosa 39. Last evaluated: 2021-04-08. Review status: flagged submission. Criteria: ACMG Guidelines, 2015. Collection method: research. Allele origin: germline. Affected: yes. Not counted in ClinVar's aggregate classification.
Comment: Through a review of available evidence we were able to apply the following criteria: PM2. Based on this evidence we have classified this variant as Variant of Uncertain Significance.
ClinVar note: Reason: Outlier claim with insufficient supporting evidence

Literature cited by the submitters: PubMed 34781295 (cited by 3 submitters); PubMed 25425308 (cited by Labcorp Genetics (formerly Invitae), Labcorp and Women's Health and Genetics/Laboratory Corporation of America, LabCorp); PubMed 32188678 (cited by Labcorp Genetics (formerly Invitae), Labcorp and Women's Health and Genetics/Laboratory Corporation of America, LabCorp); PubMed 31054281 (cited by Women's Health and Genetics/Laboratory Corporation of America, LabCorp); PubMed 29940899 (cited by Women's Health and Genetics/Laboratory Corporation of America, LabCorp).

NM_206933.4(USH2A):c.4124C>T (p.Ser1375Leu)

Genes: USH2A (usherin; minus strand), USH2A-AS1 (USH2A antisense RNA 1; plus strand). Cytogenetic location: 1q41.
Variant type: single nucleotide variant.
Coding change: c.4124C>T on transcript NM_206933.4 (MANE Select); coding-DNA position 4124, C replaced by T.
Protein change: p.Ser1375Leu; replaces serine 1375 with leucine.
Molecular consequence: missense variant.
Genome position (GRCh38, 1-based): chr1:216,196,680, G>A on the plus strand (C>T on the coding strand, the complement: USH2A is on the minus strand). VCF-style: chr1-216196680-G-A. GRCh37 (hg19) VCF-style: chr1-216370022-G-A.
Other names: c.4124C>T, p.Ser1375Leu (NM_007123.6); short protein forms S1375L.
Identifiers: ClinVar variation 1056888 (VCV001056888.18), dbSNP rs751479180, ClinGen allele CA1395802.